The following is an entry in ClinVar:

ClinVar aggregate classification (germline): Likely benign (1 of 4 stars; one submission).

Allele frequency attached by ClinVar (database versions not stated): 1000 Genomes Project 30x 0.00234; 1000 Genomes Project 0.00240; TOPMed 0.00731; gnomAD 0.00742 and 0.00792.
gnomAD v4.1: 1,181 of 152,300 alleles (0.78%); highest among the groups gnomAD compares: Middle Eastern, 2.4%; 4 homozygotes.

Submission:

GeneDx
Classification: Likely benign. Last evaluated: 2018-06-19. Review status: criteria provided, single submitter. Criteria: GeneDx Variant Classification (06012015). Collection method: clinical testing. Allele origin: germline. Affected: yes.
Comment: This variant is considered likely benign or benign based on one or more of the following criteria: it is a conservative change, it occurs at a poorly conserved position in the protein, it is predicted to be benign by multiple in silico algorithms, and/or has population frequency not consistent with disease.

NM_014317.5(PDSS1):c.610-334T>C

Gene: PDSS1 (decaprenyl diphosphate synthase subunit 1; plus strand). Cytogenetic location: 10p12.1.
Variant type: single nucleotide variant.
Coding change: c.610-334T>C on transcript NM_014317.5 (MANE Select); 334 bases into the intron before coding-DNA position 610, T replaced by C.
Molecular consequence: intron variant.
Genome position (GRCh38, 1-based): chr10:26,723,472, T>C. VCF-style: chr10-26723472-T-C. GRCh37 (hg19) VCF-style: chr10-27012401-T-C.
Other names: c.100-334T>C (NM_001321979.2); c.610-334T>C (NM_001321978.2).
Identifiers: ClinVar variation 674173 (VCV000674173.1), dbSNP rs193030103, ClinGen allele CA204403719.